The following is an entry in ClinVar:

ClinVar aggregate classification (germline): Uncertain significance (1 of 4 stars; one submission).

Allele frequency attached by ClinVar (database versions not stated): TOPMed below 0.00001.

Submission:

GeneDx
Classification: Uncertain significance. Last evaluated: 2025-06-14. Review status: criteria provided, single submitter. Criteria: GeneDx Variant Classification Process June 2021. Collection method: clinical testing. Allele origin: germline. Affected: yes.
Comment: Not observed at significant frequency in large population cohorts (gnomAD); In silico analysis supports that this missense variant has a deleterious effect on protein structure/function; Has not been previously published as pathogenic or benign to our knowledge

NM_017791.3(FLVCR2):c.1305A>C (p.Glu435Asp)

Gene: FLVCR2 (FLVCR choline and putative heme transporter 2; plus strand). Cytogenetic location: 14q24.3.
Variant type: single nucleotide variant.
Coding change: c.1305A>C on transcript NM_017791.3 (MANE Select); coding-DNA position 1305, A replaced by C.
Protein change: p.Glu435Asp; replaces glutamic acid 435 with aspartic acid.
Molecular consequence: missense variant.
Genome position (GRCh38, 1-based): chr14:75,641,024, A>C. VCF-style: chr14-75641024-A-C. GRCh37 (hg19) VCF-style: chr14-76107367-A-C.
Other names: c.690A>C, p.Glu230Asp (NM_001195283.2); short protein forms E230D, E435D.
Identifiers: ClinVar variation 2504242 (VCV002504242.3), dbSNP rs1890296502, ClinGen allele CA390462425.
Genomic context (GRCh38, chr14:75,641,024, plus strand): 5'-GACTGGCTATCTCCCACTGGGATTTGAGTTTGCTGTGGAGCTCACGTACCCAGAATCAGA[A>C]GGCATCTCCTCCGGCCTCCTCAACATATCTGCACAGGTAGAGCTCGTATTTCCTGTTTGT-3'
Protein context (NP_060261.2, residues 425-445): FAVELTYPES[Glu435Asp]GISSGLLNIS